The following is an entry in ClinVar:

NM_005445.4(SMC3):c.1190dup (p.Glu398fs)

Gene: SMC3 (structural maintenance of chromosomes 3; plus strand). Cytogenetic location: 10q25.2.
Variant type: Duplication.
Coding change: c.1190dup on transcript NM_005445.4 (MANE Select); coding-DNA position 1190, one base duplicated (A; older notation c.1190dupA).
Protein change: p.Glu398fs; shifts the reading frame from glutamic acid 398.
Molecular consequence: frameshift variant.
Genome position (GRCh38, 1-based): chr10:110,584,281, A duplicated; the last of 5 consecutive A bases (chr10:110,584,277-110,584,281); duplicating any one gives the same sequence. VCF-style (leftmost placement, unchanged base first): chr10-110584276-T-TA. GRCh37 (hg19) VCF-style: chr10-112344034-T-TA.
Other names: short protein forms E398fs.
Identifiers: ClinVar variation 3069163 (VCV003069163.1), dbSNP rs2493117666, ClinGen allele CA2825001680.

ClinVar aggregate classification (germline): Uncertain significance (1 of 4 stars; one submission).

Conditions:
Cornelia de Lange syndrome 3 (CDLS3). Also called: SMC3-Related Cornelia de Lange Syndrome; CORNELIA DE LANGE SYNDROME 3 WITH OR WITHOUT MIDLINE BRAIN DEFECTS. Identifiers: Orphanet 199, MedGen C1853099, MONDO:0012555, OMIM 610759.

Submission:

Illumina Laboratory Services, Illumina
Classification: Uncertain significance for Cornelia de Lange syndrome 3. Last evaluated: 2022-03-30. Review status: criteria provided, single submitter. Criteria: ICSLVariantClassificationCriteria RUGD 01 April 2020. Collection method: clinical testing. Allele origin: unknown.
Comment: The SMC3 c.1190dupA p.(Glu398GlyfsTer10) variant results in the duplication of a nucleotide at position c.1190, causing a shift in the protein reading frame that is predicted to result in premature termination of the protein. Loss of normal protein function through either protein-truncation or nonsense-mediated decay is expected; however, loss of function is not thought to be the disease mechanism associated with SMC3 (Deardorff et al. 2020). To our knowledge, this variant has not been reported in the peer-reviewed literature. This variant is not found in version 2.1.1 or version 3.1.2 of the Genome Aggregation Database. Based on the available evidence, the c.1190dupA p.(Glu398GlyfsTer10) variant is classified as a variant of uncertain significance for Cornelia de Lange syndrome.